The following is an entry in ClinVar:

NM_000540.3(RYR1):c.3149ACA[1] (p.Asn1051del)

Gene: RYR1 (ryanodine receptor 1; plus strand). Cytogenetic location: 19q13.2.
Variant type: Microsatellite.
Coding change: c.3149ACA[1] on transcript NM_000540.3 (MANE Select); one copy of the 3-base unit ACA starting at c.3149; the reference has two copies in a row; one copy, 3 bases deleted.
Protein change: p.Asn1051del; deletes asparagine 1051.
Molecular consequence: inframe deletion.
Genome position (GRCh38, 1-based): chr19:38,466,372-38,466,374, ACA deleted; deleting any 3 consecutive bases within chr19:38,466,369-38,466,374 gives the same sequence; the position shown is the placement nearest the transcript's 3' end. VCF-style (leftmost placement, unchanged base first): chr19-38466368-TACA-T. GRCh37 (hg19) VCF-style: chr19-38957008-TACA-T.
Other names: c.3149ACA[1], p.Asn1051del (NM_001042723.2); short protein forms N1051del.
Identifiers: ClinVar variation 3071344 (VCV003071344.1), dbSNP rs1968105897, ClinGen allele CA995719646.
Genomic context (GRCh38, chr19:38,466,368, plus strand): 5'-ACCAAGCGCAGCAACCGGGACAGCCTCTGCCAGGCCGTGCGCACCCTCCTGGGCTACGGC[TACA>T]ACATCGAGCCTCCTGACCAGGAGCCCAGTGAGTGCTCACCCCTGGCCCTGGCCCTGACTC-3'

ClinVar aggregate classification (germline): Uncertain significance (1 of 4 stars; one submission).

Conditions:
Malignant hyperthermia, susceptibility to, 1 (MHS1). Also called: Anesthesia related hyperthermia; Malignant hyperpyrexia; Fulminating hyperpyrexia; Pharmacogenic myopathy; RYR1-Related Malignant Hyperthermia Susceptibility; Malignant hyperthermia suceptibility 1. Identifiers: Orphanet 423, MedGen C2930980, MONDO:0007783, OMIM 145600.

Submission:

All of Us Research Program, National Institutes of Health
Classification: Uncertain significance for Malignant hyperthermia, susceptibility to, 1. Last evaluated: 2023-05-30. Review status: criteria provided, single submitter. Criteria: ACMG Guidelines, 2015. Collection method: clinical testing. Allele origin: germline. Inheritance: Autosomal dominant inheritance. Observed: 1 variant allele, 1 heterozygote.
Comment: This variant causes a deletion of one amino acid in the RYR1 protein. To our knowledge, functional studies have not been reported for this variant. This variant has not been reported in individuals affected with RYR1-related disorders in the literature. This variant has not been identified in the general population by the Genome Aggregation Database (gnomAD). The available evidence is insufficient to determine the role of this variant in disease conclusively. Therefore, this variant is classified as a Variant of Uncertain Significance.

This study involves interpretation of variants in research participants for the purpose of population health screening. Participant phenotype was not available at the time of variant classification. Additional details can be found in publication PMID: 35346344, PMCID: PMC8962531